The following is an entry in ClinVar:

NM_000428.3(LTBP2):c.3151+1G>T

Gene: LTBP2 (latent transforming growth factor beta binding protein 2; minus strand). Cytogenetic location: 14q24.3.
Variant type: single nucleotide variant.
Coding change: c.3151+1G>T on transcript NM_000428.3 (MANE Select); the canonical splice donor site of the intron after coding-DNA position 3151, G replaced by T.
Molecular consequence: splice donor variant.
Genome position (GRCh38, 1-based): chr14:74,510,090, C>A on the plus strand (G>T on the coding strand, the complement: LTBP2 is on the minus strand). VCF-style: chr14-74510090-C-A. GRCh37 (hg19) VCF-style: chr14-74976793-C-A.
Identifiers: ClinVar variation 1525677 (VCV001525677.8), dbSNP rs1173459626, ClinGen allele CA390389676.

ClinVar aggregate classification (germline): Likely pathogenic (1 of 4 stars; one submission).

Allele frequency attached by ClinVar (database versions not stated): gnomAD exomes below 0.00001; TOPMed below 0.00001; gnomAD 0.00001.
gnomAD v4.1: 7 of 1,613,930 alleles (0.00043%); highest among the groups gnomAD compares: Non-Finnish European, 0.00051%; no homozygotes.

Submission:

Labcorp Genetics (formerly Invitae), Labcorp
Classification: Likely pathogenic. Last evaluated: 2023-02-27. Review status: criteria provided, single submitter. Criteria: Invitae Variant Classification Sherloc (09022015). Collection method: clinical testing. Allele origin: germline.
Comment: ClinVar contains an entry for this variant (Variation ID: 1525677). This variant has not been reported in the literature in individuals affected with LTBP2-related conditions. This variant is present in population databases (no rsID available, gnomAD 0.007%). This sequence change affects a donor splice site in intron 20 of the LTBP2 gene. It is expected to disrupt RNA splicing. Variants that disrupt the donor or acceptor splice site typically lead to a loss of protein function (PMID: 16199547), and loss-of-function variants in LTBP2 are known to be pathogenic (PMID: 19361779, 19656777, 22025892). In summary, the currently available evidence indicates that the variant is pathogenic, but additional data are needed to prove that conclusively. Therefore, this variant has been classified as Likely Pathogenic. Algorithms developed to predict the effect of sequence changes on RNA splicing suggest that this variant may disrupt the consensus splice site.

Literature cited by the submitters: PubMed 16199547; PubMed 19361779; PubMed 19656777; PubMed 22025892.